The following is an entry in ClinVar:

ClinVar aggregate classification (germline): Uncertain significance (1 of 4 stars; one submission).

Conditions:
Martsolf syndrome (MARTS). Also called: Congenital cataract with intellectual disability and hypogonadotropic hypogonadism syndrome. Identifiers: Orphanet 1387, MedGen C0796037, MONDO:0023910.
Warburg micro syndrome 2 (WARBM2). Also called: MICRO SYNDROME 2. Identifiers: Orphanet 2510, MedGen C3280214, MONDO:0013641, OMIM 614225.

Submission:

Labcorp Genetics (formerly Invitae), Labcorp
Classification: Uncertain significance for Martsolf syndrome; Warburg micro syndrome 2. Last evaluated: 2025-09-15. Review status: criteria provided, single submitter. Criteria: Invitae Variant Classification Sherloc (09022015). Collection method: clinical testing. Allele origin: germline.
Comment: This sequence change replaces leucine, which is neutral and non-polar, with serine, which is neutral and polar, at codon 475 of the RAB3GAP2 protein (p.Leu475Ser). This variant is not present in population databases (gnomAD no frequency). This variant has not been reported in the literature in individuals affected with RAB3GAP2-related conditions. ClinVar contains an entry for this variant (Variation ID: 2190570). Invitae Evidence Modeling of protein sequence and biophysical properties (such as structural, functional, and spatial information, amino acid conservation, physicochemical variation, residue mobility, and thermodynamic stability) indicates that this missense variant is expected to disrupt RAB3GAP2 protein function with a positive predictive value of 80%. In summary, the available evidence is currently insufficient to determine the role of this variant in disease. Therefore, it has been classified as a Variant of Uncertain Significance.

NM_012414.4(RAB3GAP2):c.1424T>C (p.Leu475Ser)

Gene: RAB3GAP2 (RAB3 GTPase activating non-catalytic protein subunit 2; minus strand). Cytogenetic location: 1q41.
Variant type: single nucleotide variant.
Coding change: c.1424T>C on transcript NM_012414.4 (MANE Select); coding-DNA position 1424, T replaced by C.
Protein change: p.Leu475Ser; replaces leucine 475 with serine.
Molecular consequence: missense variant.
Genome position (GRCh38, 1-based): chr1:220,191,131, A>G on the plus strand (T>C on the coding strand, the complement: RAB3GAP2 is on the minus strand). VCF-style: chr1-220191131-A-G. GRCh37 (hg19) VCF-style: chr1-220364473-A-G.
Other names: short protein forms L475S.
Identifiers: ClinVar variation 2190570 (VCV002190570.4), dbSNP rs2528681090, ClinGen allele CA344645445.